The following is an entry in ClinVar:

ClinVar aggregate classification (germline): Likely pathogenic (1 of 4 stars; one submission).

Conditions:
Inborn genetic diseases. Identifiers: MedGen C0950123, MeSH D030342.

Submission:

Ambry Genetics
Classification: Likely pathogenic for Inborn genetic diseases. Last evaluated: 2025-07-09. Review status: criteria provided, single submitter. Criteria: Ambry Variant Classification Scheme 2023. Collection method: clinical testing. Allele origin: germline.
Comment: The c.1159G>A (p.G387R) alteration is located in exon 13 (coding exon 13) of the PHIP gene. This alteration results from a G to A substitution at nucleotide position 1159, causing the glycine (G) at amino acid position 387 to be replaced by an arginine (R). This variant was not reported in population-based cohorts in the Genome Aggregation Database (gnomAD). This amino acid position is highly conserved in available vertebrate species. This missense alteration is located in a region that has a low rate of benign missense variation (Lek, 2016; Firth, 2009). This alteration is predicted to be deleterious by in silico analysis. Based on the available evidence, this alteration is classified as likely pathogenic.

NM_017934.7(PHIP):c.1159G>A (p.Gly387Arg)

Gene: PHIP (PHIP subunit of CUL4-Ring ligase complex; minus strand). Cytogenetic location: 6q14.1.
Variant type: single nucleotide variant.
Coding change: c.1159G>A on transcript NM_017934.7 (MANE Select); coding-DNA position 1159, G replaced by A.
Protein change: p.Gly387Arg; replaces glycine 387 with arginine.
Molecular consequence: missense variant.
Genome position (GRCh38, 1-based): chr6:79,016,620, C>T on the plus strand (G>A on the coding strand, the complement: PHIP is on the minus strand). VCF-style: chr6-79016620-C-T. GRCh37 (hg19) VCF-style: chr6-79726337-C-T.
Other names: short protein forms G387R.
Identifiers: ClinVar variation 3931641 (VCV003931641.2).